The following is an entry in ClinVar:

NM_021815.5(SLC5A7):c.529C>A (p.Leu177Met)

Gene: SLC5A7 (solute carrier family 5 member 7; plus strand). Cytogenetic location: 2q12.3.
Variant type: single nucleotide variant.
Coding change: c.529C>A on transcript NM_021815.5 (MANE Select); coding-DNA position 529, C replaced by A.
Protein change: p.Leu177Met; replaces leucine 177 with methionine.
Molecular consequence: missense variant. On other transcripts: 5 prime UTR variant (1).
Genome position (GRCh38, 1-based): chr2:107,997,918, C>A. VCF-style: chr2-107997918-C-A. GRCh37 (hg19) VCF-style: chr2-108614374-C-A.
Other names: c.529C>A, p.Leu177Met (NM_001305005.3); c.214C>A, p.Leu72Met (NM_001305006.3); c.-176C>A (NM_001305007.3); short protein forms L72M, L177M.
Identifiers: ClinVar variation 1488088 (VCV001488088.6), dbSNP rs2104354340, ClinGen allele CA348112544.

ClinVar aggregate classification (germline): Uncertain significance (1 of 4 stars; one submission).

Conditions:
Neuronopathy, distal hereditary motor, type 7A. Also called: Neuronopathy, distal hereditary motor, autosomal dominant 7; SPINAL MUSCULAR ATROPHY, DISTAL, WITH VOCAL CORD PARALYSIS; Neuronopathy, distal hereditary motor, type viia; NEURONOPATHY, DISTAL HEREDITARY MOTOR, HARDING TYPE VIIA; NEUROPATHY, DISTAL HEREDITARY MOTOR, HARDING TYPE VIIA; HARPER-YOUNG MYOPATHY. Identifiers: Orphanet 139589, MedGen C1834703, MONDO:0008024, OMIM 158580.
Congenital myasthenic syndrome 20. Also called: Myasthenic syndrome, congenital, 20, presynaptic. Identifiers: MedGen C4310694, MONDO:0014939, OMIM 617143.

Submission:

Labcorp Genetics (formerly Invitae), Labcorp
Classification: Uncertain significance for Neuronopathy, distal hereditary motor, type 7A; Congenital myasthenic syndrome 20. Last evaluated: 2021-09-02. Review status: criteria provided, single submitter. Criteria: Invitae Variant Classification Sherloc (09022015). Collection method: clinical testing. Allele origin: germline.
Comment: In summary, the available evidence is currently insufficient to determine the role of this variant in disease. Therefore, it has been classified as a Variant of Uncertain Significance. Algorithms developed to predict the effect of missense changes on protein structure and function are either unavailable or do not agree on the potential impact of this missense change (SIFT: "Deleterious"; PolyPhen-2: "Possibly Damaging"; Align-GVGD: "Class C0"). This variant has not been reported in the literature in individuals affected with SLC5A7-related conditions. This variant is not present in population databases (ExAC no frequency). This sequence change replaces leucine with methionine at codon 177 of the SLC5A7 protein (p.Leu177Met). The leucine residue is highly conserved and there is a small physicochemical difference between leucine and methionine.